The following is an entry in ClinVar:

NM_015378.4(VPS13D):c.6250C>A (p.Pro2084Thr)

Gene: VPS13D (vacuolar protein sorting 13 homolog D; plus strand). Cytogenetic location: 1p36.22.
Variant type: single nucleotide variant.
Coding change: c.6250C>A on transcript NM_015378.4 (MANE Select); coding-DNA position 6250, C replaced by A.
Protein change: p.Pro2084Thr; replaces proline 2084 with threonine.
Molecular consequence: missense variant.
Genome position (GRCh38, 1-based): chr1:12,304,539, C>A. VCF-style: chr1-12304539-C-A. GRCh37 (hg19) VCF-style: chr1-12364596-C-A.
Other names: c.6250C>A, p.Pro2084Thr (NM_018156.4); short protein forms P2084T.
Identifiers: ClinVar variation 2191021 (VCV002191021.4), dbSNP rs758395492, ClinGen allele CA602552.

ClinVar aggregate classification (germline): Uncertain significance (1 of 4 stars; one submission).

Allele frequency attached by ClinVar (database versions not stated): TOPMed below 0.00001; ExAC 0.00001; gnomAD 0.00001.
gnomAD v4.1: 8 of 1,613,936 alleles (0.0005%); highest among the groups gnomAD compares: Non-Finnish European, 0.00068%; no homozygotes.

Submission:

Labcorp Genetics (formerly Invitae), Labcorp
Classification: Uncertain significance. Last evaluated: 2023-08-04. Review status: criteria provided, single submitter. Criteria: Invitae Variant Classification Sherloc (09022015). Collection method: clinical testing. Allele origin: germline.
Comment: In summary, the available evidence is currently insufficient to determine the role of this variant in disease. Therefore, it has been classified as a Variant of Uncertain Significance. Advanced modeling of protein sequence and biophysical properties (such as structural, functional, and spatial information, amino acid conservation, physicochemical variation, residue mobility, and thermodynamic stability) performed at Invitae indicates that this missense variant is not expected to disrupt VPS13D protein function. ClinVar contains an entry for this variant (Variation ID: 2191021). This variant has not been reported in the literature in individuals affected with VPS13D-related conditions. This variant is present in population databases (rs758395492, gnomAD 0.0009%). This sequence change replaces proline, which is neutral and non-polar, with threonine, which is neutral and polar, at codon 2084 of the VPS13D protein (p.Pro2084Thr).